The following is an entry in ClinVar:

ClinVar aggregate classification (germline): Likely benign (1 of 4 stars; one submission).

Conditions:
HSPB8-related disorder. Also called: HSPB8-related condition.

Submission:

PreventionGenetics, part of Exact Sciences
Classification: Likely benign for HSPB8-related condition. Last evaluated: 2025-08-13. Review status: criteria provided, single submitter. Criteria: ACMG Guidelines, 2015. Collection method: clinical testing. Allele origin: germline.
Comment: This variant is classified as likely benign based on ACMG/AMP sequence variant interpretation guidelines (Richards et al. 2015 PMID: 25741868, with internal and published modifications).

NM_014365.3(HSPB8):c.*865_*866insCAA

Gene: HSPB8 (heat shock protein family B (small) member 8; plus strand). Cytogenetic location: 12q24.23.
Variant type: Insertion.
Coding change: c.*865_*866insCAA on transcript NM_014365.3 (MANE Select); 865 bases downstream of the stop codon through 866 bases downstream of the stop codon, CAA inserted.
Molecular consequence: 3 prime UTR variant.
Genome position: GRCh38 VCF-style: chr12-119194721-T-TAAC. GRCh37 (hg19) VCF-style: chr12-119632526-T-TAAC.
Identifiers: ClinVar variation 4985946 (VCV004985946.1).